The following is an entry in ClinVar:

ClinVar aggregate classification (germline): Uncertain significance (1 of 4 stars; one submission).

Submission:

Labcorp Genetics (formerly Invitae), Labcorp
Classification: Uncertain significance. Last evaluated: 2023-02-03. Review status: criteria provided, single submitter. Criteria: Invitae Variant Classification Sherloc (09022015). Collection method: clinical testing. Allele origin: germline.
Comment: This sequence change replaces leucine, which is neutral and non-polar, with proline, which is neutral and non-polar, at codon 479 of the ROR2 protein (p.Leu479Pro). This variant is not present in population databases (gnomAD no frequency). This variant has not been reported in the literature in individuals affected with ROR2-related conditions. Advanced modeling of protein sequence and biophysical properties (such as structural, functional, and spatial information, amino acid conservation, physicochemical variation, residue mobility, and thermodynamic stability) performed at Invitae indicates that this missense variant is expected to disrupt ROR2 protein function. In summary, the available evidence is currently insufficient to determine the role of this variant in disease. Therefore, it has been classified as a Variant of Uncertain Significance.

NM_004560.4(ROR2):c.1436T>C (p.Leu479Pro)

Gene: ROR2 (receptor tyrosine kinase like orphan receptor 2; minus strand). Cytogenetic location: 9q22.31.
Variant type: single nucleotide variant.
Coding change: c.1436T>C on transcript NM_004560.4 (MANE Select); coding-DNA position 1436, T replaced by C.
Protein change: p.Leu479Pro; replaces leucine 479 with proline.
Molecular consequence: missense variant.
Genome position (GRCh38, 1-based): chr9:91,725,058, A>G on the plus strand (T>C on the coding strand, the complement: ROR2 is on the minus strand). VCF-style: chr9-91725058-A-G. GRCh37 (hg19) VCF-style: chr9-94487340-A-G.
Other names: short protein forms L479P.
Identifiers: ClinVar variation 2834226 (VCV002834226.3), dbSNP rs2490123218, ClinGen allele CA373798893.
Genomic context (GRCh38, chr9:91,725,058, plus strand): 5'-TCCCCCGGGGCAGGGCCGAACAGGTGACCTTTGTAGACTTTCCCAAACCGGTCCTCTCCC[A>G]GCTCCTCCATGAACCTCACCGCAGACAGGCTGATCTCTTTGAGTTTGGCCTGTCAAGAAG-3'
Protein context (NP_004551.2, residues 469-489): SLSAVRFMEE[Leu479Pro]GEDRFGKVYK